The following is an entry in ClinVar:

NM_005188.4(CBL):c.864dup (p.Gly289fs)

Gene: CBL (Cbl proto-oncogene; plus strand). Cytogenetic location: 11q23.3.
Variant type: Duplication.
Coding change: c.864dup on transcript NM_005188.4 (MANE Select); coding-DNA position 864, one base duplicated (T; older notation c.864dupT).
Protein change: p.Gly289fs; shifts the reading frame from glycine 289.
Molecular consequence: frameshift variant.
Genome position (GRCh38, 1-based): chr11:119,274,948, T duplicated. VCF-style (leftmost placement, unchanged base first): chr11-119274947-C-CT. GRCh37 (hg19) VCF-style: chr11-119145657-C-CT.
Other names: short protein forms G289fs.
Identifiers: ClinVar variation 2698007 (VCV002698007.3), dbSNP rs2496933756, ClinGen allele CA2697558996.

ClinVar aggregate classification (germline): Uncertain significance (1 of 4 stars; one submission).

Conditions:
RASopathy. Also called: Noonan spectrum disorder; rasopathies. Identifiers: Orphanet 536391, MedGen C5555857, MONDO:0021060.

Submission:

Labcorp Genetics (formerly Invitae), Labcorp
Classification: Uncertain significance for RASopathy. Last evaluated: 2023-11-28. Review status: criteria provided, single submitter. Criteria: Invitae Variant Classification Sherloc (09022015). Collection method: clinical testing. Allele origin: germline.
Comment: This sequence change creates a premature translational stop signal (p.Gly289Trpfs*23) in the CBL gene. It is expected to result in an absent or disrupted protein product. However, the current clinical and genetic evidence is not sufficient to establish whether loss-of-function variants in CBL cause disease. This variant is not present in population databases (gnomAD no frequency). This variant has not been reported in the literature in individuals affected with CBL-related conditions. In summary, the available evidence is currently insufficient to determine the role of this variant in disease. Therefore, it has been classified as a Variant of Uncertain Significance.